The following is an entry in ClinVar:

NM_000152.5(GAA):c.1147A>G (p.Ile383Val)

Gene: GAA (alpha glucosidase; plus strand). Cytogenetic location: 17q25.3.
Variant type: single nucleotide variant.
Coding change: c.1147A>G on transcript NM_000152.5 (MANE Select); coding-DNA position 1147, A replaced by G.
Protein change: p.Ile383Val; replaces isoleucine 383 with valine.
Molecular consequence: missense variant.
Genome position (GRCh38, 1-based): chr17:80,108,560, A>G. VCF-style: chr17-80108560-A-G. GRCh37 (hg19) VCF-style: chr17-78082359-A-G.
Other names: c.1147A>G, p.Ile383Val (NM_001079803.3, NM_001079804.3); c.1147A>G (LRG_673t1); short protein forms I383V.
Identifiers: ClinVar variation 198392 (VCV000198392.21), dbSNP rs794727837, ClinGen allele CA247028.

ClinVar aggregate classification (germline): Conflicting classifications of pathogenicity. Review status: criteria provided, conflicting classifications (1 of 4 stars). 8 submissions from 8 submitters: Uncertain significance (6); Likely benign (1). 1 of the submissions does not count toward it. Last evaluated 2025-11-17.

Conditions:
Cardiovascular phenotype. Identifiers: MedGen CN230736.
Glycogen storage disease, type II (IOPD). Also called: Glycogen storage disease type 2; Acid maltase deficiency disease; Aglucosidase alfa; Deficiency of alpha-glucosidase; Deficiency of lysosomal alpha-glucosidase; Glucosidase acid-1,4-alpha deficiency. Identifiers: Orphanet 365, MedGen C0017921, MONDO:0009290, OMIM 232300.

Allele frequency attached by ClinVar (database versions not stated): gnomAD exomes 0.00001 and 0.00002; gnomAD 0.00002; TOPMed 0.00003.
gnomAD v4.1: 24 of 1,612,642 alleles (0.0015%); highest among the groups gnomAD compares: African/African-American, 0.0027%; no homozygotes.

Submissions (8):

Ambry Genetics
Classification: Uncertain significance for Cardiovascular phenotype. Last evaluated: 2025-11-17. Review status: criteria provided, single submitter. Criteria: Ambry Variant Classification Scheme 2023. Collection method: clinical testing. Allele origin: germline.
Comment: The p.I383V variant (also known as c.1147A>G), located in coding exon 6 of the GAA gene, results from an A to G substitution at nucleotide position 1147. The isoleucine at codon 383 is replaced by valine, an amino acid with highly similar properties. This amino acid position is not well conserved in available vertebrate species. In addition, this alteration is predicted to be tolerated by in silico analysis. Based on the available evidence, the clinical significance of this variant remains unclear.

Blueprint Genetics
Classification: Likely benign. Last evaluated: 2022-08-10. Review status: criteria provided, single submitter. Criteria: ACMG Guidelines, 2015. Collection method: clinical testing. Allele origin: germline.

Labcorp Genetics (formerly Invitae), Labcorp
Classification: Uncertain significance for Glycogen storage disease, type II. Last evaluated: 2022-05-14. Review status: criteria provided, single submitter. Criteria: Invitae Variant Classification Sherloc (09022015). Collection method: clinical testing. Allele origin: germline.
Comment: This sequence change replaces isoleucine, which is neutral and non-polar, with valine, which is neutral and non-polar, at codon 383 of the GAA protein (p.Ile383Val). This variant is present in population databases (rs794727837, gnomAD 0.006%). This variant has not been reported in the literature in individuals affected with GAA-related conditions. ClinVar contains an entry for this variant (Variation ID: 198392). Advanced modeling of protein sequence and biophysical properties (such as structural, functional, and spatial information, amino acid conservation, physicochemical variation, residue mobility, and thermodynamic stability) performed at Invitae indicates that this missense variant is not expected to disrupt GAA protein function. In summary, the available evidence is currently insufficient to determine the role of this variant in disease. Therefore, it has been classified as a Variant of Uncertain Significance.

Genome-Nilou Lab
Classification: Uncertain significance for Glycogen storage disease, type II. Last evaluated: 2021-09-05. Review status: criteria provided, single submitter. Criteria: ACMG Guidelines, 2015. Collection method: clinical testing. Allele origin: germline. Affected: no.

Fulgent Genetics
Classification: Uncertain significance for Glycogen storage disease, type II. Last evaluated: 2021-07-20. Review status: criteria provided, single submitter. Criteria: ACMG Guidelines, 2015. Collection method: clinical testing. Allele origin: unknown.

GeneDx
Classification: Uncertain significance. Last evaluated: 2020-10-13. Review status: criteria provided, single submitter. Criteria: GeneDx Variant Classification Process June 2021. Collection method: clinical testing. Allele origin: germline. Affected: yes.
Comment: Not observed at a significant frequency in large population cohorts (Lek et al., 2016); Missense variants in this gene are often considered pathogenic (Stenson et al., 2014); Has not been previously published as pathogenic or benign to our knowledge

Eurofins Ntd Llc (ga)
Classification: Uncertain significance. Last evaluated: 2015-05-19. Review status: criteria provided, single submitter. Criteria: EGL Classification Definitions 2015. Collection method: clinical testing. Allele origin: germline. Observed: 1 variant allele, 1 heterozygote.

Natera, Inc.
Classification: Uncertain significance for Glycogen storage disease type II. Last evaluated: 2020-08-12. Review status: no assertion criteria provided. Collection method: clinical testing. Allele origin: germline. Not counted in ClinVar's aggregate classification.